The following is an entry in ClinVar:

NM_005560.6(LAMA5):c.3174C>T (p.Ala1058=)

Gene: LAMA5 (laminin subunit alpha 5; minus strand). Cytogenetic location: 20q13.33.
Variant type: single nucleotide variant.
Coding change: c.3174C>T on transcript NM_005560.6 (MANE Select); coding-DNA position 3174, C replaced by T.
Protein change: p.Ala1058=; no amino-acid change (alanine 1058 retained).
Molecular consequence: synonymous variant.
Genome position (GRCh38, 1-based): chr20:62,333,198, G>A on the plus strand (C>T on the coding strand, the complement: LAMA5 is on the minus strand). VCF-style: chr20-62333198-G-A. GRCh37 (hg19) VCF-style: chr20-60908254-G-A.
Identifiers: ClinVar variation 1591278 (VCV001591278.11), dbSNP rs761783947, ClinGen allele CA9943116.

ClinVar aggregate classification (germline): Likely benign. Review status: criteria provided, multiple submitters, no conflicts (2 of 4 stars). 3 submissions from 3 submitters: Likely benign (3). Last evaluated 2026-04-01.

Allele frequency attached by ClinVar (database versions not stated): TOPMed 0.00001; ExAC 0.00002; gnomAD exomes 0.00002 and 0.00003.

Submissions (3):

CeGaT Center for Human Genetics Tuebingen
Classification: Likely benign. Last evaluated: 2026-04-01. Review status: criteria provided, single submitter. Criteria: CeGaT Center For Human Genetics Tuebingen Variant Classification Criteria Version 2. Collection method: clinical testing. Allele origin: germline. Affected: yes. Observed: 1 variant allele.
Comment: LAMA5: BP4, BP7

Blueprint Genetics
Classification: Likely benign. Last evaluated: 2024-07-23. Review status: criteria provided, single submitter. Criteria: ACMG Guidelines, 2015. Collection method: clinical testing. Allele origin: germline.

Labcorp Genetics (formerly Invitae), Labcorp
Classification: Likely benign. Last evaluated: 2021-07-29. Review status: criteria provided, single submitter. Criteria: Invitae Variant Classification Sherloc (09022015). Collection method: clinical testing. Allele origin: germline.